The following is an entry in ClinVar:

NM_005228.5(EGFR):c.3428A>C (p.Gln1143Pro)

Gene: EGFR (epidermal growth factor receptor; plus strand). Cytogenetic location: 7p11.2.
Variant type: single nucleotide variant.
Coding change: c.3428A>C on transcript NM_005228.5 (MANE Select); coding-DNA position 3428, A replaced by C.
Protein change: p.Gln1143Pro; replaces glutamine 1143 with proline.
Molecular consequence: missense variant.
Genome position (GRCh38, 1-based): chr7:55,205,412, A>C. VCF-style: chr7-55205412-A-C. GRCh37 (hg19) VCF-style: chr7-55273105-A-C.
Other names: c.3428A>C (NM_005228.3); c.3293A>C, p.Gln1098Pro (NM_001346899.2); c.3269A>C, p.Gln1090Pro (NM_001346900.2); c.2627A>C, p.Gln876Pro (NM_001346941.2); short protein forms Q1090P, Q1098P, Q876P, Q1143P.
Identifiers: ClinVar variation 1449309 (VCV001449309.7), dbSNP rs2128975344, ClinGen allele CA367584594.

ClinVar aggregate classification (germline): Uncertain significance. Review status: criteria provided, multiple submitters, no conflicts (2 of 4 stars). 2 submissions from 2 submitters: Uncertain significance (2). Last evaluated 2025-03-15.

Conditions:
EGFR-related lung cancer (EGFR). Identifiers: MedGen CN130014.
Hereditary cancer-predisposing syndrome. Also called: Hereditary Cancer Syndrome; Hereditary neoplastic syndrome; Neoplastic Syndromes, Hereditary; Tumor predisposition. Identifiers: Orphanet 140162, MedGen C0027672, MeSH D009386, MONDO:0015356.

Allele frequency attached by ClinVar (database versions not stated): gnomAD exomes below 0.00001.
gnomAD v4.1: 1 of 1,614,154 alleles (0.000062%); highest among the groups gnomAD compares: Non-Finnish European, 0.000085%; no homozygotes.

Submissions (2):

Ambry Genetics
Classification: Uncertain significance for Hereditary cancer-predisposing syndrome. Last evaluated: 2025-03-15. Review status: criteria provided, single submitter. Criteria: Ambry Variant Classification Scheme 2023. Collection method: clinical testing. Allele origin: germline.
Comment: The p.Q1143P variant (also known as c.3428A>C), located in coding exon 28 of the EGFR gene, results from an A to C substitution at nucleotide position 3428. The glutamine at codon 1143 is replaced by proline, an amino acid with similar properties. This amino acid position is conserved. In addition, this alteration is predicted to be tolerated by in silico analysis. Based on the available evidence, the clinical significance of this variant remains unclear.

Labcorp Genetics (formerly Invitae), Labcorp
Classification: Uncertain significance for EGFR-related lung cancer. Last evaluated: 2022-04-24. Review status: criteria provided, single submitter. Criteria: Invitae Variant Classification Sherloc (09022015). Collection method: clinical testing. Allele origin: germline.
Comment: In summary, the available evidence is currently insufficient to determine the role of this variant in disease. Therefore, it has been classified as a Variant of Uncertain Significance. This sequence change replaces glutamine, which is neutral and polar, with proline, which is neutral and non-polar, at codon 1143 of the EGFR protein (p.Gln1143Pro). This variant is not present in population databases (gnomAD no frequency). This variant has not been reported in the literature in individuals affected with EGFR-related conditions. Algorithms developed to predict the effect of missense changes on protein structure and function are either unavailable or do not agree on the potential impact of this missense change (SIFT: "Deleterious"; PolyPhen-2: "Benign"; Align-GVGD: "Class C0").